The following is an entry in ClinVar:

ClinVar aggregate classification (germline): Uncertain significance. Review status: criteria provided, single submitter (1 of 4 stars). 2 submissions from 2 submitters: Uncertain significance (1). 1 of the submissions does not count toward it. Last evaluated 2024-02-03.

Conditions:
Pulmonary fibrosis and/or bone marrow failure, Telomere-related, 3. Also called: PULMONARY FIBROSIS AND/OR BONE MARROW FAILURE SYNDROME, TELOMERE-RELATED, 3. Identifiers: Orphanet 2032, MedGen C4225346, MONDO:0014613, OMIM 616373.
Dyskeratosis congenita, autosomal recessive 5 (DKCB5). Identifiers: MedGen C3554656, MONDO:0014076, OMIM 615190.
Dyskeratosis congenita. Identifiers: Orphanet 1775, MedGen C0265965, MONDO:0015780.

Allele frequency attached by ClinVar (database versions not stated): gnomAD exomes below 0.00001; ExAC 0.00001; TOPMed 0.00002; ESP Exome Variant Server 0.00008.
gnomAD v4.1: 4 of 1,612,520 alleles (0.00025%); highest among the groups gnomAD compares: South Asian, 0.0011%; no homozygotes.

Submissions (2):

Labcorp Genetics (formerly Invitae), Labcorp
Classification: Uncertain significance for Dyskeratosis congenita, autosomal recessive 5; Pulmonary fibrosis and/or bone marrow failure, Telomere-related, 3. Last evaluated: 2024-02-03. Review status: criteria provided, single submitter. Criteria: Invitae Variant Classification Sherloc (09022015). Collection method: clinical testing. Allele origin: germline.
Comment: This sequence change replaces valine, which is neutral and non-polar, with isoleucine, which is neutral and non-polar, at codon 732 of the RTEL1 protein (p.Val732Ile). This variant is present in population databases (rs142039934, gnomAD 0.003%). This variant has not been reported in the literature in individuals affected with RTEL1-related conditions. This variant is also known as c.2266G>A (p.Val756Ile). ClinVar contains an entry for this variant (Variation ID: 970669). An algorithm developed to predict the effect of missense changes on protein structure and function (PolyPhen-2) suggests that this variant is likely to be tolerated. In summary, the available evidence is currently insufficient to determine the role of this variant in disease. Therefore, it has been classified as a Variant of Uncertain Significance.

Natera, Inc.
Classification: Uncertain significance for Dyskeratosis congenita. Last evaluated: 2020-04-30. Review status: no assertion criteria provided. Collection method: clinical testing. Allele origin: germline. Not counted in ClinVar's aggregate classification.

NM_001283009.2(RTEL1):c.2194G>A (p.Val732Ile)

Genes: RTEL1-TNFRSF6B (RTEL1-TNFRSF6B readthrough (NMD candidate); plus strand), RTEL1 (regulator of telomere elongation helicase 1; plus strand). Cytogenetic location: 20q13.33.
Variant type: single nucleotide variant.
Coding change: c.2194G>A on transcript NM_001283009.2 (MANE Select); coding-DNA position 2194, G replaced by A.
Protein change: p.Val732Ile; replaces valine 732 with isoleucine.
Molecular consequence: missense variant. On other transcripts: non-coding transcript variant (1).
Genome position (GRCh38, 1-based): chr20:63,690,139, G>A. VCF-style: chr20-63690139-G-A. GRCh37 (hg19) VCF-style: chr20-62321492-G-A.
Other names: c.1525G>A, p.Val509Ile (NM_001283010.1); c.2194G>A, p.Val732Ile (NM_016434.4); c.2266G>A, p.Val756Ile (NM_032957.5); short protein forms V732I, V509I, V756I.
Identifiers: ClinVar variation 970669 (VCV000970669.10), dbSNP rs142039934, ClinGen allele CA9965225.